The following is an entry in ClinVar:

NM_177438.3(DICER1):c.1230G>T (p.Val410=)

Gene: DICER1 (dicer 1, ribonuclease III; minus strand). Cytogenetic location: 14q32.13.
Variant type: single nucleotide variant.
Coding change: c.1230G>T on transcript NM_177438.3 (MANE Select); coding-DNA position 1230, G replaced by T.
Protein change: p.Val410=; no amino-acid change (valine 410 retained).
Molecular consequence: synonymous variant.
Genome position (GRCh38, 1-based): chr14:95,124,342, C>A on the plus strand (G>T on the coding strand, the complement: DICER1 is on the minus strand). VCF-style: chr14-95124342-C-A. GRCh37 (hg19) VCF-style: chr14-95590679-C-A.
Other names: c.1230G>T (NM_177438.2); c.1230G>T, p.Val410= (NM_001195573.1, NM_001271282.3, NM_001291628.2 and 1 more transcripts).
Identifiers: ClinVar variation 1159949 (VCV001159949.14), dbSNP rs1481644631, ClinGen allele CA487845215.

ClinVar aggregate classification (germline): Conflicting classifications of pathogenicity. Review status: criteria provided, conflicting classifications (1 of 4 stars). 4 submissions from 4 submitters: Uncertain significance (1); Likely benign (3). Last evaluated 2024-12-19.

Conditions:
DICER1-related tumor predisposition. Also called: DICER1-related pleuropulmonary blastoma cancer predisposition syndrome; DICER1 syndrome. Identifiers: Orphanet 284343, MedGen C3839822, MONDO:0100216.
Hereditary cancer-predisposing syndrome. Also called: Neoplastic Syndromes, Hereditary; Hereditary Cancer Syndrome; Tumor predisposition; Hereditary neoplastic syndrome. Identifiers: Orphanet 140162, MedGen C0027672, MeSH D009386, MONDO:0015356.

gnomAD v4.1: 1 of 1,613,908 alleles (0.000062%); highest among the groups gnomAD compares: Non-Finnish European, 0.000085%; no homozygotes.

Submissions (4):

Hereditary Cancer Group, L’Institut d'Investigació Biomèdica de Bellvitge
Classification: Uncertain significance for Hereditary cancer-predisposing syndrome. Last evaluated: 2024-12-19. Review status: criteria provided, single submitter. Criteria: Hatton et al. (Hum Mutat. 2023). Collection method: clinical testing. Allele origin: germline. Inheritance: Autosomal dominant inheritance. Affected: yes.
Comment: PM2_supporting, BP4

Blueprint Genetics
Classification: Likely benign. Last evaluated: 2024-02-21. Review status: criteria provided, single submitter. Criteria: ACMG Guidelines, 2015. Collection method: clinical testing. Allele origin: germline.

Ambry Genetics
Classification: Likely benign for Hereditary cancer-predisposing syndrome. Last evaluated: 2023-08-24. Review status: criteria provided, single submitter. Criteria: Ambry Variant Classification Scheme 2023. Collection method: clinical testing. Allele origin: germline.

Labcorp Genetics (formerly Invitae), Labcorp
Classification: Likely benign for DICER1-related tumor predisposition. Last evaluated: 2022-09-22. Review status: criteria provided, single submitter. Criteria: Invitae Variant Classification Sherloc (09022015). Collection method: clinical testing. Allele origin: germline.